The following is an entry in ClinVar:

ClinVar aggregate classification (germline): Pathogenic/Likely pathogenic. Review status: criteria provided, multiple submitters, no conflicts (2 of 4 stars). 5 submissions from 5 submitters: Pathogenic (4); Likely pathogenic (1). Last evaluated 2025-09-10.

Conditions:
Cone-rod dystrophy 3 (CORD3). Identifiers: Orphanet 1872, MedGen C1858806, MONDO:0011395, OMIM 604116.
ABCA4-related disorder. Also called: ABCA4-related condition; ABCA4-related disorders. Identifiers: MedGen CN239167.
Severe early-childhood-onset retinal dystrophy (STGD1). Also called: Stargardt macular dystrophy; Juvenile onset macular degeneration; Stargardt disease 1; MACULAR DYSTROPHY WITH FLECKS, TYPE 1; STGD. Identifiers: Orphanet 364055, Orphanet 827, MedGen C1855465, MeSH D000080362, MONDO:0009549, OMIM 248200.

Allele frequency attached by ClinVar (database versions not stated): gnomAD 0.00001; ESP Exome Variant Server 0.00008; gnomAD exomes below 0.00001 and 0.00002; TOPMed 0.00001.

Submissions (5):

Labcorp Genetics (formerly Invitae), Labcorp
Classification: Pathogenic. Last evaluated: 2025-09-10. Review status: criteria provided, single submitter. Criteria: Invitae Variant Classification Sherloc (09022015). Collection method: clinical testing. Allele origin: germline.
Comment: This sequence change creates a premature translational stop signal (p.Ser84Thrfs*16) in the ABCA4 gene. It is expected to result in an absent or disrupted protein product. Loss-of-function variants in ABCA4 are known to be pathogenic (PMID: 10958761, 24938718, 25312043, 26780318). This variant is not present in population databases (gnomAD no frequency). This premature translational stop signal has been observed in individuals with Stargardt disease (PMID: 10711710, 25283059; internal data). This variant is also known as 250insCAAA. ClinVar contains an entry for this variant (Variation ID: 854791). For these reasons, this variant has been classified as Pathogenic.

Blueprint Genetics
Classification: Pathogenic for ABCA4-related disorders. Last evaluated: 2023-12-22. Review status: criteria provided, single submitter. Criteria: ACMG Guidelines, 2015. Collection method: clinical testing. Allele origin: germline. Affected: yes. Observed: 5 variant alleles.

GeneDx
Classification: Pathogenic. Last evaluated: 2022-05-12. Review status: criteria provided, single submitter. Criteria: GeneDx Variant Classification Process June 2021. Collection method: clinical testing. Allele origin: germline. Affected: yes.
Comment: Frameshift variant predicted to result in protein truncation or nonsense mediated decay in a gene for which loss of function is a known mechanism of disease; Not observed at significant frequency in large population cohorts (gnomAD); This variant is associated with the following publications: (PMID: 15942264, 25283059, 11527935, 15192030, 20128570, 18652558, 21911583, 22661472, 24677105, 25342616, 28044389, 33369172, 33546218, 32037395, 29701254, 19265867, 10711710, 25097154)

Institute of Medical Molecular Genetics, University of Zurich
Classification: Likely pathogenic for Severe early-childhood-onset retinal dystrophy. Last evaluated: 2021-01-30. Review status: criteria provided, single submitter. Criteria: ACMG Guidelines, 2015. Collection method: clinical testing. Allele origin: unknown. Affected: yes.

Victorian Clinical Genetics Services, Murdoch Childrens Research Institute
Classification: Pathogenic for Cone-rod dystrophy 3. Last evaluated: 2020-05-25. Review status: criteria provided, single submitter. Criteria: ACMG Guidelines, 2015. Collection method: clinical testing. Allele origin: germline. Inheritance: Autosomal recessive inheritance.
Comment: Based on the classification scheme VCGS_Germline_v1.1.1, this variant is classified as pathogenic. Following criteria are met: 0102 - Loss-of-function is a known mechanism of disease for this gene. (N) 0106 - This gene is known to be associated with autosomal recessive disease. (N) 0201 - Variant is predicted to cause nonsense-mediated decay (NMD) and loss of protein. (P) 0251 - Variant is heterozygous. (N) 0304 - Variant is present in gnomAD <0.01 for a recessive condition (1 heterozygote, 0 homozygote). (P) 0701 - Comparable variants also predicted to cause NMD, have very strong previous evidence for pathogenicity (Decipher, ClinVar). (P) 0802 - Moderate previous evidence of pathogenicity in several unrelated individuals with Stargardt disease (ClinVar, LOVD, PMID:28044389, PMID:29178665, PMID: 28446513), (P) 1208 - Inheritance information for this variant is not currently available. (N) Legend: (P) - Pathogenic, (N) - Neutral, (B) - Benign

Literature cited by the submitters: PubMed 10958761 (cited by Labcorp Genetics (formerly Invitae), Labcorp); PubMed 24938718 (cited by Labcorp Genetics (formerly Invitae), Labcorp); PubMed 25312043 (cited by Labcorp Genetics (formerly Invitae), Labcorp); PubMed 26780318 (cited by Labcorp Genetics (formerly Invitae), Labcorp); PubMed 10711710 (cited by Labcorp Genetics (formerly Invitae), Labcorp); PubMed 25283059 (cited by Labcorp Genetics (formerly Invitae), Labcorp); PubMed 28044389 (cited by Victorian Clinical Genetics Services, Murdoch Childrens Research Institute); PubMed 28446513 (cited by Victorian Clinical Genetics Services, Murdoch Childrens Research Institute); PubMed 29178665 (cited by Victorian Clinical Genetics Services, Murdoch Childrens Research Institute).

NM_000350.3(ABCA4):c.247_250dup (p.Ser84fs)

Gene: ABCA4 (ATP binding cassette subfamily A member 4; minus strand). Cytogenetic location: 1p22.1.
Variant type: Duplication.
Coding change: c.247_250dup on transcript NM_000350.3 (MANE Select); coding-DNA positions 247 to 250, 4 bases duplicated (CAAA; older notation c.247_250dupCAAA).
Protein change: p.Ser84fs; shifts the reading frame from serine 84.
Molecular consequence: frameshift variant.
Genome position (GRCh38, 1-based): chr1:94,111,490-94,111,493, TTTG duplicated on the plus strand (CAAA on the coding strand, the reverse complement: ABCA4 is on the minus strand). VCF-style (leftmost placement, unchanged base first): chr1-94111489-C-CTTTG. GRCh37 (hg19) VCF-style: chr1-94577045-C-CTTTG.
Other names: c.247_250dupCAAA (NM_000350.2); c.247_250dup, p.Ser84Thrfs (NM_001425324.1); short protein forms S84fs.
Identifiers: ClinVar variation 854791 (VCV000854791.15), dbSNP rs1005271380, ClinGen allele CA26842462.